The following is an entry in ClinVar:

ClinVar aggregate classification (germline): Pathogenic/Likely pathogenic. Review status: criteria provided, multiple submitters, no conflicts (2 of 4 stars). 2 submissions from 2 submitters: Pathogenic (1); Likely pathogenic (1). Last evaluated 2022-04-27.

Conditions:
Senior-Loken syndrome 4 (SLSN4). Identifiers: Orphanet 3156, MedGen C1846979, MONDO:0011756, OMIM 606996.
Nephronophthisis 4 (NPHP4). Also called: NEPHRONOPHTHISIS 4, JUVENILE. Identifiers: Orphanet 655, MedGen C1847013, MONDO:0011752, OMIM 606966.
Nephronophthisis. Also called: Juvenile Nephronophthisis. Identifiers: Orphanet 655, MedGen C0687120, MONDO:0019005, HP:0000090.

Submissions (2):

Fulgent Genetics
Classification: Likely pathogenic for Nephronophthisis 4; Senior-Loken syndrome 4. Last evaluated: 2022-04-27. Review status: criteria provided, single submitter. Criteria: ACMG Guidelines, 2015. Collection method: clinical testing. Allele origin: unknown.

Labcorp Genetics (formerly Invitae), Labcorp
Classification: Pathogenic for Nephronophthisis. Last evaluated: 2021-07-09. Review status: criteria provided, single submitter. Criteria: Invitae Variant Classification Sherloc (09022015). Collection method: clinical testing. Allele origin: germline.
Comment: This sequence change creates a premature translational stop signal (p.Leu970Profs*23) in the NPHP4 gene. It is expected to result in an absent or disrupted protein product. For these reasons, this variant has been classified as Pathogenic. Loss-of-function variants in NPHP4 are known to be pathogenic (PMID: 12205563, 23559409). This variant has not been reported in the literature in individuals with NPHP4-related conditions. This variant is not present in population databases (ExAC no frequency).

Literature cited by the submitters: PubMed 12205563 (cited by Labcorp Genetics (formerly Invitae), Labcorp); PubMed 23559409 (cited by Labcorp Genetics (formerly Invitae), Labcorp).

NM_015102.5(NPHP4):c.2908dup (p.Leu970fs)

Gene: NPHP4 (nephrocystin 4; minus strand). Cytogenetic location: 1p36.31.
Variant type: Duplication.
Coding change: c.2908dup on transcript NM_015102.5 (MANE Select); coding-DNA position 2908, one base duplicated (C; older notation c.2908dupC).
Protein change: p.Leu970fs; shifts the reading frame from leucine 970.
Molecular consequence: frameshift variant. On other transcripts: non-coding transcript variant (1).
Genome position (GRCh38, 1-based): chr1:5,875,010, G duplicated on the plus strand (C on the coding strand, the reverse complement: NPHP4 is on the minus strand); the first of 2 consecutive G bases (chr1:5,875,010-5,875,011); duplicating either gives the same sequence. VCF-style (leftmost placement, unchanged base first): chr1-5875009-A-AG. GRCh37 (hg19) VCF-style: chr1-5935069-A-AG.
Other names: c.1369dup, p.Leu457fs (NM_001291593.2); c.1372dup, p.Leu458fs (NM_001291594.2); short protein forms L457fs, L458fs, L970fs.
Identifiers: ClinVar variation 1072607 (VCV001072607.8), dbSNP rs1168286961, ClinGen allele CA737343289.